The following is an entry in ClinVar:

NM_015910.7(WDPCP):c.10G>A (p.Glu4Lys)

Gene: WDPCP (WD repeat containing planar cell polarity effector; minus strand). Cytogenetic location: 2p15.
Variant type: single nucleotide variant.
Coding change: c.10G>A on transcript NM_015910.7 (MANE Select); coding-DNA position 10, G replaced by A.
Protein change: p.Glu4Lys; replaces glutamic acid 4 with lysine.
Molecular consequence: missense variant. On other transcripts: 5 prime UTR variant (1), non-coding transcript variant (2).
Genome position (GRCh38, 1-based): chr2:63,588,262, C>T on the plus strand (G>A on the coding strand, the complement: WDPCP is on the minus strand). VCF-style: chr2-63588262-C-T. GRCh37 (hg19) VCF-style: chr2-63815396-C-T.
Other names: c.-315G>A (NM_001354044.2); c.10G>A, p.Glu4Lys (NM_001354045.2); short protein forms E4K.
Identifiers: ClinVar variation 854753 (VCV000854753.11), dbSNP rs763789574, ClinGen allele CA1682660.

ClinVar aggregate classification (germline): Conflicting classifications of pathogenicity. Review status: criteria provided, conflicting classifications (1 of 4 stars). 3 submissions from 3 submitters: Uncertain significance (1); Likely benign (1). 1 of the submissions does not count toward it. Last evaluated 2024-11-21.

Conditions:
WDPCP-related disorder. Also called: WDPCP-related condition.
Bardet-Biedl syndrome (BBS). Identifiers: Orphanet 110, MedGen C0752166, MONDO:0015229.
Inborn genetic diseases. Identifiers: MedGen C0950123, MeSH D030342.

Allele frequency attached by ClinVar (database versions not stated): ExAC 0.00025; gnomAD below 0.00001 and 0.00003; gnomAD exomes 0.00011.
gnomAD v4.1: 78 of 1,574,694 alleles (0.005%); highest among the groups gnomAD compares: South Asian, 0.085%; no homozygotes.

Submissions (3):

Ambry Genetics
Classification: Likely benign for Inborn genetic diseases. Last evaluated: 2024-11-21. Review status: criteria provided, single submitter. Criteria: Ambry Variant Classification Scheme 2023. Collection method: clinical testing. Allele origin: germline.

Labcorp Genetics (formerly Invitae), Labcorp
Classification: Uncertain significance for Bardet-Biedl syndrome. Last evaluated: 2022-07-24. Review status: criteria provided, single submitter. Criteria: Invitae Variant Classification Sherloc (09022015). Collection method: clinical testing. Allele origin: germline.
Comment: This sequence change replaces glutamic acid, which is acidic and polar, with lysine, which is basic and polar, at codon 4 of the WDPCP protein (p.Glu4Lys). This variant is present in population databases (rs763789574, gnomAD 0.08%). This variant has not been reported in the literature in individuals affected with WDPCP-related conditions. ClinVar contains an entry for this variant (Variation ID: 854753). Algorithms developed to predict the effect of missense changes on protein structure and function (SIFT, PolyPhen-2, Align-GVGD) all suggest that this variant is likely to be tolerated. In summary, the available evidence is currently insufficient to determine the role of this variant in disease. Therefore, it has been classified as a Variant of Uncertain Significance.

PreventionGenetics, part of Exact Sciences
Classification: Uncertain significance for WDPCP-related condition. Last evaluated: 2024-08-30. Review status: no assertion criteria provided. Collection method: clinical testing. Allele origin: germline. Not counted in ClinVar's aggregate classification.
Comment: The WDPCP c.10G>A variant is predicted to result in the amino acid substitution p.Glu4Lys. To our knowledge, this variant has not been reported in the literature. This variant is reported in 0.080% of alleles in individuals of South Asian descent in gnomAD. Although we suspect that this variant may be benign, at this time, the clinical significance of this variant is uncertain due to the absence of conclusive functional and genetic evidence.